The following is an entry in ClinVar:

ClinVar aggregate classification (germline): Uncertain significance (1 of 4 stars; one submission).

Conditions:
Alstrom syndrome (ALMS). Identifiers: Orphanet 64, MedGen C0268425, MONDO:0008763, OMIM 203800.

Submission:

Labcorp Genetics (formerly Invitae), Labcorp
Classification: Uncertain significance for Alstrom syndrome. Last evaluated: 2022-03-22. Review status: criteria provided, single submitter. Criteria: Invitae Variant Classification Sherloc (09022015). Collection method: clinical testing. Allele origin: germline.
Comment: This variant is not present in population databases (gnomAD no frequency). In summary, the available evidence is currently insufficient to determine the role of this variant in disease. Therefore, it has been classified as a Variant of Uncertain Significance. Experimental studies and prediction algorithms are not available or were not evaluated, and the functional significance of this variant is currently unknown. This variant has not been reported in the literature in individuals affected with ALMS1-related conditions. This sequence change replaces methionine with arginine at codon 3561 of the ALMS1 protein (p.Met3561Arg). The methionine residue is weakly conserved and there is a moderate physicochemical difference between methionine and arginine.

NM_001378454.1(ALMS1):c.10679T>G (p.Met3560Arg)

Gene: ALMS1 (ALMS1 centrosome and basal body associated protein; plus strand). Cytogenetic location: 2p13.1.
Variant type: single nucleotide variant.
Coding change: c.10679T>G on transcript NM_001378454.1 (MANE Select); coding-DNA position 10679, T replaced by G.
Protein change: p.Met3560Arg; replaces methionine 3560 with arginine.
Molecular consequence: missense variant.
Genome position (GRCh38, 1-based): chr2:73,572,556, T>G. VCF-style: chr2-73572556-T-G. GRCh37 (hg19) VCF-style: chr2-73799683-T-G.
Other names: c.10682T>G, p.Met3561Arg (NM_015120.4); short protein forms M3561R, M3560R.
Identifiers: ClinVar variation 1492047 (VCV001492047.6), dbSNP rs752203028, ClinGen allele CA347284738.
Genomic context (GRCh38, chr2:73,572,556, plus strand): 5'-CAGATTATACCAGAATAAAGAGCCTCAGCATCAATGTGAATTTGGGAAACAAAGAAGTGA[T>G]GGATACTACTAAAAGTCAAGTTAGAGATTATCCAAAACATAATGGACAAATTAGTGATCC-3'
Protein context (NP_001365383.1, residues 3550-3570): INVNLGNKEV[Met3560Arg]DTTKSQVRDY